The following is an entry in ClinVar:

ClinVar aggregate classification (germline): Conflicting classifications of pathogenicity. Review status: criteria provided, conflicting classifications (1 of 4 stars). 4 submissions from 4 submitters: Uncertain significance (2); Likely benign (2). Last evaluated 2024-11-12.

Conditions:
Tubulointerstitial kidney disease, autosomal dominant, 2 (ADTKD2). Also called: Medullary cystic kidney disease 1; Autosomal Dominant Tubulointerstitial Kidney Disease – MUC1; MEDULLARY CYSTIC KIDNEY DISEASE, AUTOSOMAL DOMINANT; POLYCYSTIC KIDNEYS, MEDULLARY TYPE. Identifiers: Orphanet 34149, Orphanet 88949, MedGen C1868139, MONDO:0020726, OMIM 174000.
Inborn genetic diseases. Identifiers: MedGen C0950123, MeSH D030342.

Allele frequency attached by ClinVar (database versions not stated): ESP Exome Variant Server 0.00015; gnomAD 0.00015 and 0.00016; TOPMed 0.00017; ExAC 0.00019; gnomAD exomes 0.00020.

Submissions (4):

Blueprint Genetics
Classification: Likely benign. Last evaluated: 2024-11-12. Review status: criteria provided, single submitter. Criteria: ACMG Guidelines, 2015. Collection method: clinical testing. Allele origin: germline.

Ambry Genetics
Classification: Likely benign for Inborn genetic diseases. Last evaluated: 2024-01-04. Review status: criteria provided, single submitter. Criteria: Ambry Variant Classification Scheme 2023. Collection method: clinical testing. Allele origin: germline.

Baylor Genetics
Classification: Uncertain significance for Tubulointerstitial kidney disease, autosomal dominant, 2. Last evaluated: 2019-09-06. Review status: criteria provided, single submitter. Criteria: ACMG Guidelines, 2015. Collection method: clinical testing. Allele origin: unknown. Affected: yes.
Comment: This variant was determined to be of uncertain significance according to ACMG Guidelines, 2015 [PMID:25741868].

Breakthrough Genomics
Classification: Uncertain significance. Review status: criteria provided, single submitter. Criteria: ACMG Guidelines, 2015. Collection method: not provided. Allele origin: germline. Inheritance: Autosomal dominant inheritance. Affected: yes.

NM_001044393.3(MUC1):c.295C>T (p.Arg99Cys)

Gene: MUC1 (mucin 1, cell surface associated; minus strand). Cytogenetic location: 1q22.
Variant type: single nucleotide variant.
Coding change: c.295C>T on transcript NM_001044393.3; coding-DNA position 295, C replaced by T.
Protein change: p.Arg99Cys; replaces arginine 99 with cysteine.
Molecular consequence: missense variant. On other transcripts: synonymous variant (15), intron variant (4).
Genome position (GRCh38, 1-based): chr1:155,187,515, G>A on the plus strand (C>T on the coding strand, the complement: MUC1 is on the minus strand). VCF-style: chr1-155187515-G-A. GRCh37 (hg19) VCF-style: chr1-155159991-G-A.
Other names: c.510C>T, p.Ile170= (NM_001018016.3); c.483C>T, p.Ile161= (NM_001018017.3); c.327C>T, p.Ile109= (NM_001044390.3); c.1143C>T, p.Ile381= (NM_001204285.2); c.1170C>T, p.Ile390= (NM_001204286.1); c.564C>T, p.Ile188= (NM_001204287.2); c.478C>T, p.Arg160Cys (NM_001204288.2); c.432C>T, p.Ile144= (NM_001204289.2); and 12 more; short protein forms R160C, R99C.
Identifiers: ClinVar variation 1031014 (VCV001031014.4), dbSNP rs375090196, ClinGen allele CA1139370.
Genomic context (GRCh38, chr1:155,187,515, plus strand): 5'-CAAGGCAATGAGATAGACAATGGCCAGCGCAACCAGAACACAGACCAGCACCAGCAGCGC[G>A]ATGCCCCAGCCTGGCACCCCAGCCCCAGACTGGGCAGAGAAAGGAAATGGCACATCACTC-3'